The following is an entry in ClinVar:

ClinVar aggregate classification (germline): Uncertain significance. Review status: criteria provided, multiple submitters, no conflicts (2 of 4 stars). 3 submissions from 3 submitters: Uncertain significance (3). Last evaluated 2025-07-17.

Conditions:
Hereditary cancer-predisposing syndrome. Also called: Tumor predisposition; Neoplastic Syndromes, Hereditary; Hereditary Cancer Syndrome; Hereditary neoplastic syndrome. Identifiers: Orphanet 140162, MedGen C0027672, MeSH D009386, MONDO:0015356.
Birt-Hogg-Dube syndrome. Also called: Birt Hogg Dubé syndrome. Identifiers: Orphanet 122, MedGen C0346010, MONDO:0800444.

Allele frequency attached by ClinVar (database versions not stated): gnomAD 0.00001; TOPMed 0.00001.
gnomAD v4.1: 1 of 1,614,058 alleles (0.000062%); no homozygotes.

Submissions (3):

Labcorp Genetics (formerly Invitae), Labcorp
Classification: Uncertain significance for Birt-Hogg-Dube syndrome. Last evaluated: 2025-07-17. Review status: criteria provided, single submitter. Criteria: Invitae Variant Classification Sherloc (09022015). Collection method: clinical testing. Allele origin: germline.
Comment: This sequence change replaces glycine, which is neutral and non-polar, with glutamic acid, which is acidic and polar, at codon 453 of the FLCN protein (p.Gly453Glu). This variant is not present in population databases (gnomAD no frequency). This variant has not been reported in the literature in individuals affected with FLCN-related conditions. ClinVar contains an entry for this variant (Variation ID: 485624). An algorithm developed to predict the effect of missense changes on protein structure and function (PolyPhen-2) suggests that this variant is likely to be tolerated. In summary, the available evidence is currently insufficient to determine the role of this variant in disease. Therefore, it has been classified as a Variant of Uncertain Significance.

Ambry Genetics
Classification: Uncertain significance for Hereditary cancer-predisposing syndrome. Last evaluated: 2024-05-16. Review status: criteria provided, single submitter. Criteria: Ambry Variant Classification Scheme 2023. Collection method: clinical testing. Allele origin: germline.
Comment: The p.G453E variant (also known as c.1358G>A), located in coding exon 9 of the FLCN gene, results from a G to A substitution at nucleotide position 1358. The glycine at codon 453 is replaced by glutamic acid, an amino acid with similar properties. This amino acid position is not well conserved in available vertebrate species. In addition, the in silico prediction for this alteration is inconclusive. Since supporting evidence is limited at this time, the clinical significance of this alteration remains unclear.

GeneDx
Classification: Uncertain significance. Last evaluated: 2023-05-24. Review status: criteria provided, single submitter. Criteria: GeneDx Variant Classification Process June 2021. Collection method: clinical testing. Allele origin: germline. Affected: yes.
Comment: Not observed at significant frequency in large population cohorts (gnomAD); In silico analysis supports that this missense variant does not alter protein structure/function; Has not been previously published as pathogenic or benign to our knowledge

NM_144997.7(FLCN):c.1358G>A (p.Gly453Glu)

Gene: FLCN (folliculin; minus strand). Cytogenetic location: 17p11.2.
Variant type: single nucleotide variant.
Coding change: c.1358G>A on transcript NM_144997.7 (MANE Select); coding-DNA position 1358, G replaced by A.
Protein change: p.Gly453Glu; replaces glycine 453 with glutamic acid.
Molecular consequence: missense variant.
Genome position (GRCh38, 1-based): chr17:17,215,259, C>T on the plus strand (G>A on the coding strand, the complement: FLCN is on the minus strand). VCF-style: chr17-17215259-C-T. GRCh37 (hg19) VCF-style: chr17-17118573-C-T.
Other names: c.1358G>A (LRG_325t1); c.1412G>A, p.Gly471Glu (NM_001353229.2); c.1358G>A, p.Gly453Glu (NM_001353230.2, NM_001353231.2); short protein forms G453E, G471E.
Identifiers: ClinVar variation 485624 (VCV000485624.12), dbSNP rs1555607217, ClinGen allele CA398531362.